The following is an entry in ClinVar:

NM_207346.3(TSEN54):c.1573G>C (p.Gly525Arg)

Gene: TSEN54 (tRNA splicing endonuclease subunit 54; plus strand). Cytogenetic location: 17q25.1.
Variant type: single nucleotide variant.
Coding change: c.1573G>C on transcript NM_207346.3 (MANE Select); coding-DNA position 1573, G replaced by C.
Protein change: p.Gly525Arg; replaces glycine 525 with arginine.
Molecular consequence: missense variant.
Genome position (GRCh38, 1-based): chr17:75,524,404, G>C. VCF-style: chr17-75524404-G-C. GRCh37 (hg19) VCF-style: chr17-73520485-G-C.
Other names: p.G525R:GGG>CGG; short protein forms G525R.
Identifiers: ClinVar variation 137760 (VCV000137760.20), dbSNP rs11870627, ClinGen allele CA173723.
Genomic context (GRCh38, chr17:75,524,404, plus strand): 5'-GTGGATCATGGTGACATCTCCTTCTACAGCTTCAGGGACTTCACGTTGCCCCAGGATGTG[G>C]GGCACTGACCTCACAGCTCTGCAGAGGATGGAGCTTGCTCCGGGGGACCGGGACTGTCTG-3'
Protein context (NP_997229.2, residues 515-526): FRDFTLPQDV[Gly525Arg]H

ClinVar aggregate classification (germline): Benign. Review status: criteria provided, multiple submitters, no conflicts (2 of 4 stars). 7 submissions from 7 submitters: Benign (7). Last evaluated 2026-02-02.

Conditions:
Pontoneocerebellar hypoplasia. Also called: Non-syndromic pontocerebellar hypoplasia; Pontocerebellar hypoplasia. Identifiers: Orphanet 98523, MedGen C1261175, MONDO:0020135.

Allele frequency attached by ClinVar (database versions not stated): gnomAD exomes 0.00624 and 0.01640; ExAC 0.01978; gnomAD 0.05898; 1000 Genomes Project 0.06410; 1000 Genomes Project 30x 0.06808; TOPMed 0.06898; ESP Exome Variant Server 0.06912.

Submissions (7):

Labcorp Genetics (formerly Invitae), Labcorp
Classification: Benign. Last evaluated: 2026-02-02. Review status: criteria provided, single submitter. Criteria: Invitae Variant Classification Sherloc (09022015). Collection method: clinical testing. Allele origin: germline.

Illumina Laboratory Services, Illumina
Classification: Benign for Pontoneocerebellar hypoplasia. Last evaluated: 2018-01-13. Review status: criteria provided, single submitter. Criteria: ICSL Variant Classification Criteria 13 December 2019. Collection method: clinical testing. Allele origin: germline.
Comment: This variant was observed in the ICSL laboratory as part of a predisposition screen in an ostensibly healthy population. It had not been previously curated by ICSL or reported in the Human Gene Mutation Database (HGMD: prior to June 1st, 2018), and was therefore a candidate for classification through an automated scoring system. Utilizing variant allele frequency, disease prevalence and penetrance estimates, and inheritance mode, an automated score was calculated to assess if this variant is too frequent to cause the disease. Based on the score and internal cut-off values, a variant classified as benign is not then subjected to further curation. The score for this variant resulted in a classification of benign for this disease.

Athena Diagnostics
Classification: Benign. Last evaluated: 2017-09-05. Review status: criteria provided, single submitter. Criteria: Athena Diagnostics Criteria. Collection method: clinical testing. Allele origin: germline.

GeneDx
Classification: Benign. Last evaluated: 2014-05-27. Review status: criteria provided, single submitter. Criteria: GeneDx Variant Classification (06012015). Collection method: clinical testing. Allele origin: germline. Affected: yes.
Comment: This variant is considered likely benign or benign based on one or more of the following criteria: it is a conservative change, it occurs at a poorly conserved position in the protein, it is predicted to be benign by multiple in silico algorithms, and/or has population frequency not consistent with disease.

Genetic Services Laboratory, University of Chicago
Classification: Benign. Last evaluated: 2013-02-08. Review status: criteria provided, single submitter. Criteria: ACMG Guidelines, 2007. Collection method: clinical testing. Allele origin: germline. Inheritance: Autosomal recessive inheritance.

Breakthrough Genomics
Classification: Benign. Review status: criteria provided, single submitter. Criteria: ACMG Guidelines, 2015. Collection method: not provided. Allele origin: germline. Inheritance: Autosomal recessive inheritance. Affected: yes.

PreventionGenetics, part of Exact Sciences
Classification: Benign. Review status: criteria provided, single submitter. Criteria: ACMG Guidelines, 2015. Collection method: clinical testing. Allele origin: germline.